The following is an entry in ClinVar:

ClinVar aggregate classification (germline): Uncertain significance (1 of 4 stars; one submission).

Allele frequency attached by ClinVar (database versions not stated): TOPMed 0.00001.

Submission:

Labcorp Genetics (formerly Invitae), Labcorp
Classification: Uncertain significance. Last evaluated: 2023-06-21. Review status: criteria provided, single submitter. Criteria: Invitae Variant Classification Sherloc (09022015). Collection method: clinical testing. Allele origin: germline.
Comment: This sequence change replaces methionine, which is neutral and non-polar, with valine, which is neutral and non-polar, at codon 730 of the CCDC141 protein (p.Met730Val). This variant is not present in population databases (gnomAD no frequency). This variant has not been reported in the literature in individuals affected with CCDC141-related conditions. An algorithm developed to predict the effect of missense changes on protein structure and function (PolyPhen-2) suggests that this variant is likely to be tolerated. In summary, the available evidence is currently insufficient to determine the role of this variant in disease. Therefore, it has been classified as a Variant of Uncertain Significance.

NM_173648.4(CCDC141):c.2188A>G (p.Met730Val)

Genes: CCDC141 (coiled-coil domain containing 141; minus strand), LOC126806434 (MED14-independent group 3 enhancer GRCh37_chr2:179735609-179736808; plus strand). Cytogenetic location: 2q31.2.
Variant type: single nucleotide variant.
Coding change: c.2188A>G on transcript NM_173648.4 (MANE Select); coding-DNA position 2188, A replaced by G.
Protein change: p.Met730Val; replaces methionine 730 with valine.
Molecular consequence: missense variant.
Genome position (GRCh38, 1-based): chr2:178,871,444, T>C on the plus strand (A>G on the coding strand, the complement: CCDC141 is on the minus strand). VCF-style: chr2-178871444-T-C. GRCh37 (hg19) VCF-style: chr2-179736171-T-C.
Other names: short protein forms M730V.
Identifiers: ClinVar variation 2771242 (VCV002771242.3), dbSNP rs1686117235, ClinGen allele CA349461342.